The following is an entry in ClinVar:

ClinVar aggregate classification (germline): Uncertain significance. Review status: criteria provided, multiple submitters, no conflicts (2 of 4 stars). 2 submissions from 2 submitters: Uncertain significance (2). Last evaluated 2023-05-16.

Allele frequency attached by ClinVar (database versions not stated): gnomAD exomes below 0.00001; ExAC 0.00001; gnomAD 0.00001; TOPMed 0.00001.
gnomAD v4.1: 7 of 1,613,762 alleles (0.00043%); highest among the groups gnomAD compares: Admixed American, 0.0017%; no homozygotes.

Submissions (2):

Labcorp Genetics (formerly Invitae), Labcorp
Classification: Uncertain significance. Last evaluated: 2023-05-16. Review status: criteria provided, single submitter. Criteria: Invitae Variant Classification Sherloc (09022015). Collection method: clinical testing. Allele origin: germline.
Comment: In summary, the available evidence is currently insufficient to determine the role of this variant in disease. Therefore, it has been classified as a Variant of Uncertain Significance. Algorithms developed to predict the effect of missense changes on protein structure and function output the following: SIFT: "Not Available"; PolyPhen-2: "Benign"; Align-GVGD: "Not Available". The cysteine amino acid residue is found in multiple mammalian species, which suggests that this missense change does not adversely affect protein function. ClinVar contains an entry for this variant (Variation ID: 1723241). This variant has not been reported in the literature in individuals affected with CAMTA1-related conditions. This variant is present in population databases (rs774120040, gnomAD 0.003%). This sequence change replaces tyrosine, which is neutral and polar, with cysteine, which is neutral and slightly polar, at codon 1661 of the CAMTA1 protein (p.Tyr1661Cys).

Women's Health and Genetics/Laboratory Corporation of America, LabCorp
Classification: Uncertain significance. Last evaluated: 2022-10-05. Review status: criteria provided, single submitter. Criteria: LabCorp Variant Classification Summary - May 2015. Collection method: clinical testing. Allele origin: germline.
Comment: Variant summary: CAMTA1 c.4982A>G (p.Tyr1661Cys) results in a non-conservative amino acid change in the encoded protein sequence. Three of five in-silico tools predict a benign effect of the variant on protein function. The variant allele was found at a frequency of 7.1e-06 in 282896 control chromosomes (gnomAD). The available data on variant occurrences in the general population are insufficient to allow any conclusion about variant significance. To our knowledge, no occurrence of c.4982A>G in individuals affected with Nonprogressive Cerebellar Atxia With Intellectual Disability and no experimental evidence demonstrating its impact on protein function have been reported. No clinical diagnostic laboratories have submitted clinical-significance assessments for this variant to ClinVar after 2014. Based on the evidence outlined above, the variant was classified as uncertain significance.

NM_015215.4(CAMTA1):c.4982A>G (p.Tyr1661Cys)

Gene: CAMTA1 (calmodulin binding transcription activator 1; plus strand). Cytogenetic location: 1p36.23.
Variant type: single nucleotide variant.
Coding change: c.4982A>G on transcript NM_015215.4 (MANE Select); coding-DNA position 4982, A replaced by G.
Protein change: p.Tyr1661Cys; replaces tyrosine 1661 with cysteine.
Molecular consequence: missense variant. On other transcripts: intron variant (8).
Genome position (GRCh38, 1-based): chr1:7,755,661, A>G. VCF-style: chr1-7755661-A-G. GRCh37 (hg19) VCF-style: chr1-7815721-A-G.
Other names: c.2051+3128A>G (NM_001349614.1, NM_001349615.2); c.1712+3128A>G (NM_001349621.1, NM_001349622.2); c.1691+3128A>G (NM_001349623.1, NM_001349624.3); c.2087+3128A>G (NM_001349613.1); c.4892A>G, p.Tyr1631Cys (NM_001349608.2); c.4658A>G, p.Tyr1553Cys (NM_001349610.2); c.4574A>G, p.Tyr1525Cys (NM_001349612.2); c.2075A>G, p.Tyr692Cys (NM_001349616.2); and 4 more; short protein forms Y1525C, Y1553C, Y1631C, Y1661C, Y572C, Y579C, Y685C, Y692C.
Identifiers: ClinVar variation 1723241 (VCV001723241.4), dbSNP rs774120040, ClinGen allele CA567310.
Genomic context (GRCh38, chr1:7,755,661, plus strand): 5'-TGCTAATAGCTCTCTGGTGTTGTTTTACTGTCTAAAGCCCCCTGGTGGACCATAGGCTGT[A>G]CAAAAGGGTGAGTTTAGCTGCCTGCTAGCCAGTTTCTCTTCTCTTCCATTTTCAGTATTT-3'
Protein context (NP_056030.1, residues 1651-1671): RHSPLVDHRL[Tyr1661Cys]KRSERIEKGQ